The following is an entry in ClinVar:

NM_000111.3(SLC26A3):c.1619G>T (p.Cys540Phe)

Gene: SLC26A3 (solute carrier family 26 member 3; minus strand). Cytogenetic location: 7q22.3.
Variant type: single nucleotide variant.
Coding change: c.1619G>T on transcript NM_000111.3 (MANE Select); coding-DNA position 1619, G replaced by T.
Protein change: p.Cys540Phe; replaces cysteine 540 with phenylalanine.
Molecular consequence: missense variant.
Genome position (GRCh38, 1-based): chr7:107,776,510, C>A on the plus strand (G>T on the coding strand, the complement: SLC26A3 is on the minus strand). VCF-style: chr7-107776510-C-A. GRCh37 (hg19) VCF-style: chr7-107416955-C-A.
Other names: short protein forms C540F.
Identifiers: ClinVar variation 1498346 (VCV001498346.5), dbSNP rs147164102, ClinGen allele CA4433764.

ClinVar aggregate classification (germline): Uncertain significance (1 of 4 stars; one submission).

Allele frequency attached by ClinVar (database versions not stated): ExAC 0.00001; gnomAD 0.00001 and 0.00002; gnomAD exomes 0.00001 and 0.00002; TOPMed 0.00001; ESP Exome Variant Server 0.00008.
gnomAD v4.1: 17 of 1,614,014 alleles (0.0011%); highest among the groups gnomAD compares: Admixed American, 0.0033%; no homozygotes.

Submission:

Labcorp Genetics (formerly Invitae), Labcorp
Classification: Uncertain significance. Last evaluated: 2021-08-30. Review status: criteria provided, single submitter. Criteria: Invitae Variant Classification Sherloc (09022015). Collection method: clinical testing. Allele origin: germline.
Comment: This sequence change replaces cysteine with phenylalanine at codon 540 of the SLC26A3 protein (p.Cys540Phe). The cysteine residue is moderately conserved and there is a large physicochemical difference between cysteine and phenylalanine. This variant is present in population databases (rs147164102, ExAC 0.009%). This variant has not been reported in the literature in individuals affected with SLC26A3-related conditions. Algorithms developed to predict the effect of missense changes on protein structure and function are either unavailable or do not agree on the potential impact of this missense change (SIFT: "Tolerated"; PolyPhen-2: "Probably Damaging"; Align-GVGD: "Class C0"). In summary, the available evidence is currently insufficient to determine the role of this variant in disease. Therefore, it has been classified as a Variant of Uncertain Significance.